The following is an entry in ClinVar:

ClinVar aggregate classification (germline): Likely pathogenic (1 of 4 stars; one submission).

Submission:

GeneDx
Classification: Likely pathogenic. Last evaluated: 2016-06-13. Review status: criteria provided, single submitter. Criteria: GeneDx Variant Classification (06012015). Collection method: clinical testing. Allele origin: germline. Affected: yes.
Comment: The K535E variant in the DNM1 gene has not been reported previously as a pathogenic variant nor as a benign variant, to our knowledge. The K535E variant was not observed in approximately 6500 individuals of European and African American ancestry in the NHLBI Exome Sequencing Project, indicating it is not a common benign variant in these populations. The K535E variant is a non-conservative amino acid substitution, which is likely to impact secondary protein structure as these residues differ in polarity, charge, size and/or other properties. This substitution occurs at a position that is conserved across species. In silico analysis is inconsistent in its predictions as to whether or not the variant is damaging to the protein structure/function. Therefore, we interpret K535E as a likely pathogenic variant

NM_004408.4(DNM1):c.1603A>G (p.Lys535Glu)

Gene: DNM1 (dynamin 1; plus strand). Cytogenetic location: 9q34.11.
Variant type: single nucleotide variant.
Coding change: c.1603A>G on transcript NM_004408.4 (MANE Select); coding-DNA position 1603, A replaced by G.
Protein change: p.Lys535Glu; replaces lysine 535 with glutamic acid.
Molecular consequence: missense variant.
Genome position (GRCh38, 1-based): chr9:128,242,277, A>G. VCF-style: chr9-128242277-A-G. GRCh37 (hg19) VCF-style: chr9-131004556-A-G.
Other names: c.1603A>G, p.Lys535Glu (NM_001005336.3, NM_001288737.2, NM_001288738.2 and 1 more transcripts); short protein forms K535E.
Identifiers: ClinVar variation 432194 (VCV000432194.2), dbSNP rs1554781545, ClinGen allele CA375025829.